The following is an entry in ClinVar:

ClinVar aggregate classification (germline): Uncertain significance (1 of 4 stars; one submission).

Conditions:
Hyperkalemic periodic paralysis. Also called: Familial hyperkalemic periodic paralysis; Gamstorp disease. Identifiers: Orphanet 682, MedGen C0238357, MONDO:0008224, OMIM 170500, HP:0007215.

Submission:

Labcorp Genetics (formerly Invitae), Labcorp
Classification: Uncertain significance for Hyperkalemic periodic paralysis. Last evaluated: 2024-03-12. Review status: criteria provided, single submitter. Criteria: Invitae Variant Classification Sherloc (09022015). Collection method: clinical testing. Allele origin: germline.
Comment: This sequence change replaces histidine, which is basic and polar, with arginine, which is basic and polar, at codon 1675 of the SCN4A protein (p.His1675Arg). This variant is not present in population databases (gnomAD no frequency). This variant has not been reported in the literature in individuals affected with SCN4A-related conditions. Advanced modeling of protein sequence and biophysical properties (such as structural, functional, and spatial information, amino acid conservation, physicochemical variation, residue mobility, and thermodynamic stability) performed at Invitae indicates that this missense variant is expected to disrupt SCN4A protein function with a positive predictive value of 95%. In summary, the available evidence is currently insufficient to determine the role of this variant in disease. Therefore, it has been classified as a Variant of Uncertain Significance.

NM_000334.4(SCN4A):c.5024A>G (p.His1675Arg)

Genes: GH-LCR (growth hormone locus control region; plus strand), SCN4A (sodium voltage-gated channel alpha subunit 4; minus strand). Cytogenetic location: 17q23.3.
Variant type: single nucleotide variant.
Coding change: c.5024A>G on transcript NM_000334.4 (MANE Select); coding-DNA position 5024, A replaced by G.
Protein change: p.His1675Arg; replaces histidine 1675 with arginine.
Molecular consequence: missense variant.
Genome position (GRCh38, 1-based): chr17:63,941,258, T>C on the plus strand (A>G on the coding strand, the complement: SCN4A is on the minus strand). VCF-style: chr17-63941258-T-C. GRCh37 (hg19) VCF-style: chr17-62018618-T-C.
Other names: short protein forms H1675R.
Identifiers: ClinVar variation 2694108 (VCV002694108.3), dbSNP rs2509283651, ClinGen allele CA400614317.